The following is an entry in ClinVar:

ClinVar aggregate classification (germline): Uncertain significance (1 of 4 stars; one submission).

gnomAD v4.1: 1 of 1,608,620 alleles (0.000062%); highest among the groups gnomAD compares: Non-Finnish European, 0.000085%; no homozygotes.

Submission:

GeneDx
Classification: Uncertain significance. Last evaluated: 2026-02-24. Review status: criteria provided, single submitter. Criteria: GeneDx Variant Classification Process June 2021. Collection method: clinical testing. Allele origin: germline.
Comment: Not observed at significant frequency in large population cohorts (gnomAD); In silico analysis supports that this missense variant has a deleterious effect on protein structure/function; Has not been previously published as pathogenic or benign to our knowledge

NM_014991.6(WDFY3):c.9062C>G (p.Pro3021Arg)

Genes: WDFY3 (WD repeat and FYVE domain containing 3; minus strand), LOC126807101 (CDK7 strongly-dependent group 2 enhancer GRCh37_chr4:85612241-85613440; plus strand). Cytogenetic location: 4q21.23.
Variant type: single nucleotide variant.
Coding change: c.9062C>G on transcript NM_014991.6 (MANE Select); coding-DNA position 9062, C replaced by G.
Protein change: p.Pro3021Arg; replaces proline 3021 with arginine.
Molecular consequence: missense variant.
Genome position (GRCh38, 1-based): chr4:84,691,773, G>C on the plus strand (C>G on the coding strand, the complement: WDFY3 is on the minus strand). VCF-style: chr4-84691773-G-C. GRCh37 (hg19) VCF-style: chr4-85612926-G-C.
Other names: short protein forms P3021R.
Identifiers: ClinVar variation 5010069 (VCV005010069.1).